The following is an entry in ClinVar:

ClinVar aggregate classification (germline): Likely benign. Review status: criteria provided, multiple submitters, no conflicts (2 of 4 stars). 2 submissions from 2 submitters: Likely benign (2). Last evaluated 2021-10-21.

Allele frequency attached by ClinVar (database versions not stated): TOPMed 0.00969; 1000 Genomes Project 0.01078; 1000 Genomes Project 30x 0.01140.
gnomAD v4.1: 1,215 of 152,118 alleles (0.8%); highest among the groups gnomAD compares: African/African-American, 2.5%; 16 homozygotes.

Submissions (2):

GeneDx
Classification: Likely benign. Last evaluated: 2021-10-21. Review status: criteria provided, single submitter. Criteria: GeneDx Variant Classification Process June 2021. Collection method: clinical testing. Allele origin: germline. Affected: yes.
Comment: See Variant Classification Assertion Criteria.

Breakthrough Genomics
Classification: Likely benign. Review status: criteria provided, single submitter. Criteria: ACMG Guidelines, 2015. Collection method: not provided. Allele origin: germline. Inheritance: Autosomal dominant inheritance. Affected: yes.

NM_003361.4(UMOD):c.1183-229C>T

Gene: UMOD (uromodulin; minus strand). Cytogenetic location: 16p12.3.
Variant type: single nucleotide variant.
Coding change: c.1183-229C>T on transcript NM_003361.4 (MANE Select); 229 bases into the intron before coding-DNA position 1183, C replaced by T.
Molecular consequence: intron variant.
Genome position (GRCh38, 1-based): chr16:20,344,401, G>A on the plus strand (C>T on the coding strand, the complement: UMOD is on the minus strand). VCF-style: chr16-20344401-G-A. GRCh37 (hg19) VCF-style: chr16-20355723-G-A.
Other names: c.1183-229C>T (NM_001008389.3, NM_001378234.1, NM_001378235.1 and 3 more transcripts); c.1282-229C>T (NM_001278614.2).
Identifiers: ClinVar variation 1678704 (VCV001678704.3), dbSNP rs148024719, ClinGen allele CA279296025.